The following is an entry in ClinVar:

NM_000051.4(ATM):c.7128T>G (p.Ser2376Arg)

Genes: ATM (ATM serine/threonine kinase; plus strand), C11orf65 (chromosome 11 open reading frame 65; minus strand). Cytogenetic location: 11q22.3.
Variant type: single nucleotide variant.
Coding change: c.7128T>G on transcript NM_000051.4 (MANE Select); coding-DNA position 7128, T replaced by G.
Protein change: p.Ser2376Arg; replaces serine 2376 with arginine.
Molecular consequence: missense variant. On other transcripts: intron variant (2).
Genome position (GRCh38, 1-based): chr11:108,329,059, T>G. VCF-style: chr11-108329059-T-G. GRCh37 (hg19) VCF-style: chr11-108199786-T-G.
Other names: c.7128T>G, p.Ser2376Arg (NM_001351834.2); c.641-19988A>C (NM_001330368.2); c.*38+6161A>C (NM_001351110.2); short protein forms S2376R.
Identifiers: ClinVar variation 1172851 (VCV001172851.3), dbSNP rs2136412428, ClinGen allele CA382559460.

ClinVar aggregate classification (germline): Uncertain significance (1 of 4 stars; one submission).

Submission:

Women's Health and Genetics/Laboratory Corporation of America, LabCorp
Classification: Uncertain significance. Last evaluated: 2021-05-30. Review status: criteria provided, single submitter. Criteria: LabCorp Variant Classification Summary - May 2015. Collection method: clinical testing. Allele origin: germline.
Comment: Variant summary: ATM c.7128T>G (p.Ser2376Arg) results in a non-conservative amino acid change located in the PIK-related kinase domain (IPR003151) of the encoded protein sequence. Four of five in-silico tools predict a benign effect of the variant on protein function. The variant was absent in 251432 control chromosomes. The available data on variant occurrences in the general population are insufficient to allow any conclusion about variant significance. To our knowledge, no occurrence of c.7128T>G in individuals affected with Ataxia-Telangiectasia and no experimental evidence demonstrating its impact on protein function have been reported. No clinical diagnostic laboratories have submitted clinical-significance assessments for this variant to ClinVar after 2014. Based on the evidence outlined above, the variant was classified as uncertain significance.